The following is an entry in ClinVar:

NM_000466.3(PEX1):c.1966C>T (p.Pro656Ser)

Gene: PEX1 (peroxisomal biogenesis factor 1; minus strand). Cytogenetic location: 7q21.2.
Variant type: single nucleotide variant.
Coding change: c.1966C>T on transcript NM_000466.3 (MANE Select); coding-DNA position 1966, C replaced by T.
Protein change: p.Pro656Ser; replaces proline 656 with serine.
Molecular consequence: missense variant. On other transcripts: intron variant (1).
Genome position (GRCh38, 1-based): chr7:92,504,837, G>A on the plus strand (C>T on the coding strand, the complement: PEX1 is on the minus strand). VCF-style: chr7-92504837-G-A. GRCh37 (hg19) VCF-style: chr7-92134151-G-A.
Other names: c.1342C>T, p.Pro448Ser (NM_001282678.2); c.1900+1411C>T (NM_001282677.2); short protein forms P448S, P656S.
Identifiers: ClinVar variation 1803733 (VCV001803733.1), dbSNP rs2116165787, ClinGen allele CA368183665.

ClinVar aggregate classification (germline): Uncertain significance (1 of 4 stars; one submission).

Conditions:
Heimler syndrome 1 (HMLR1). Also called: PEROXISOME BIOGENESIS DISORDER 1C. Identifiers: Orphanet 3220, MedGen C4551980, OMIM 234580, MONDO:0024544.

Allele frequency attached by ClinVar (database versions not stated): gnomAD exomes below 0.00001.

Submission:

HudsonAlpha Institute for Biotechnology
Classification: Uncertain significance for Heimler syndrome 1. Last evaluated: 2022-10-14. Review status: criteria provided, single submitter. Criteria: ACMG Guidelines, 2015. Collection method: research. Allele origin: unknown. Affected: yes. Observed: 1 variant allele. Study: HudsonAlpha-AGHI-WGS.
Comment: ACMG codes:PM2; PM3_Supporting; PP3